The following is an entry in ClinVar:

NM_002661.5(PLCG2):c.530T>G (p.Val177Gly)

Gene: PLCG2 (phospholipase C gamma 2; plus strand). Cytogenetic location: 16q23.3.
Variant type: single nucleotide variant.
Coding change: c.530T>G on transcript NM_002661.5 (MANE Select); coding-DNA position 530, T replaced by G.
Protein change: p.Val177Gly; replaces valine 177 with glycine.
Molecular consequence: missense variant.
Genome position (GRCh38, 1-based): chr16:81,869,264, T>G. VCF-style: chr16-81869264-T-G. GRCh37 (hg19) VCF-style: chr16-81902869-T-G.
Other names: c.530T>G, p.Val177Gly (NM_001425749.1, NM_001425750.1, NM_001425751.1); short protein forms V177G.
Identifiers: ClinVar variation 3355572 (VCV003355572.1).

ClinVar aggregate classification (germline): Uncertain significance (0 of 4 stars; one submission).

Conditions:
PLCG2-related disorder. Also called: PLCG2-related condition.

gnomAD v4.1: 2 of 1,613,908 alleles (0.00012%); highest among the groups gnomAD compares: African/African-American, 0.0027%; no homozygotes.

Submission:

PreventionGenetics, part of Exact Sciences
Classification: Uncertain significance for PLCG2-related condition. Last evaluated: 2024-05-07. Review status: no assertion criteria provided. Collection method: clinical testing. Allele origin: germline.
Comment: The PLCG2 c.530T>G variant is predicted to result in the amino acid substitution p.Val177Gly. To our knowledge, this variant has not been reported in the literature. This variant is reported in 0.0065% of alleles in individuals of African descent in gnomAD. At this time, the clinical significance of this variant is uncertain due to the absence of conclusive functional and genetic evidence.